The following is an entry in ClinVar:

ClinVar aggregate classification (germline): Conflicting classifications of pathogenicity. Review status: criteria provided, conflicting classifications (1 of 4 stars). 5 submissions from 5 submitters: Uncertain significance (4); Likely benign (1). Last evaluated 2026-01-30.

Conditions:
Inborn genetic diseases. Identifiers: MedGen C0950123, MeSH D030342.
Type II complement component 8 deficiency. Also called: C8 BETA DEFICIENCY; COMPLEMENT C8 DEFICIENCY, TYPE II; C8B DEFICIENCY; COMPLEMENT COMPONENT 8B DEFICIENCY. Identifiers: MedGen C3151080, MONDO:0013421, OMIM 613789.

Allele frequency attached by ClinVar (database versions not stated): gnomAD 0.00013; TOPMed 0.00023; ESP Exome Variant Server 0.00062.
gnomAD v4.1: 292 of 1,614,064 alleles (0.018%); highest among the groups gnomAD compares: Non-Finnish European, 0.024%; 1 homozygote.

Submissions (5):

Women's Health and Genetics/Laboratory Corporation of America, LabCorp
Classification: Uncertain significance. Last evaluated: 2026-01-30. Review status: criteria provided, single submitter. Criteria: LabCorp Variant Classification Summary - May 2015. Collection method: clinical testing. Allele origin: germline.
Comment: Variant summary: C8B c.164G>A (p.Ser55Asn) results in a conservative amino acid change in the encoded protein sequence. Algorithms developed to predict the effect of missense changes on protein structure and function are either unavailable or do not agree on the potential impact of this missense change. The variant allele was found at a frequency of 0.00012 in 251264 control chromosomes in the gnomAD database, including 1 homozygotes. This frequency is not significantly higher than estimated for disease-causing variants in C8B, allowing no conclusion about variant significance. To our knowledge, no occurrence of c.164G>A in individuals affected with C8B-related conditions and no experimental evidence demonstrating its impact on protein function have been reported. ClinVar contains an entry for this variant (Variation ID: 827970). Based on the evidence outlined above, the variant was classified as uncertain significance.

Blueprint Genetics
Classification: Uncertain significance. Last evaluated: 2024-09-16. Review status: criteria provided, single submitter. Criteria: ACMG Guidelines, 2015. Collection method: clinical testing. Allele origin: germline.

Labcorp Genetics (formerly Invitae), Labcorp
Classification: Uncertain significance. Last evaluated: 2022-08-20. Review status: criteria provided, single submitter. Criteria: Invitae Variant Classification Sherloc (09022015). Collection method: clinical testing. Allele origin: germline.
Comment: This sequence change replaces serine, which is neutral and polar, with asparagine, which is neutral and polar, at codon 55 of the C8B protein (p.Ser55Asn). This variant is present in population databases (rs144586148, gnomAD 0.03%). This variant has not been reported in the literature in individuals affected with C8B-related conditions. ClinVar contains an entry for this variant (Variation ID: 827970). Algorithms developed to predict the effect of missense changes on protein structure and function output the following: SIFT: "Tolerated"; PolyPhen-2: "Benign"; Align-GVGD: "Class C0". The asparagine amino acid residue is found in multiple mammalian species, which suggests that this missense change does not adversely affect protein function. In summary, the available evidence is currently insufficient to determine the role of this variant in disease. Therefore, it has been classified as a Variant of Uncertain Significance.

Ambry Genetics
Classification: Likely benign for Inborn genetic diseases. Last evaluated: 2021-07-14. Review status: criteria provided, single submitter. Criteria: Ambry Variant Classification Scheme 2023. Collection method: clinical testing. Allele origin: germline.

Center for Genomics, Ann and Robert H. Lurie Children's Hospital of Chicago
Classification: Uncertain significance for Type II complement component 8 deficiency. Last evaluated: 2021-03-30. Review status: criteria provided, single submitter. Criteria: ACMG Guidelines, 2015. Collection method: clinical testing. Allele origin: germline.
Comment: C8B NM_000066.3 exon 2 p.Ser55Asn (c.164G>A): This variant has not been reported in the literature but is present in 0.02% (32/129008) of European alleles, including 1 homozygote in the Genome Aggregation Database. This variant amino acid Asparagine (Asn) is present in 8 species; this suggests that this variant may not impact the protein. Additional computational prediction tools do not suggest an impact. In summary, data on this variant is insufficient for disease classification. Therefore, the clinical significance of this variant is uncertain.

NM_000066.4(C8B):c.164G>A (p.Ser55Asn)

Gene: C8B (complement C8 beta chain; minus strand). Cytogenetic location: 1p32.2.
Variant type: single nucleotide variant.
Coding change: c.164G>A on transcript NM_000066.4 (MANE Select); coding-DNA position 164, G replaced by A.
Protein change: p.Ser55Asn; replaces serine 55 with asparagine.
Molecular consequence: missense variant. On other transcripts: 5 prime UTR variant (1).
Genome position (GRCh38, 1-based): chr1:56,960,105, C>T on the plus strand (G>A on the coding strand, the complement: C8B is on the minus strand). VCF-style: chr1-56960105-C-T. GRCh37 (hg19) VCF-style: chr1-57425778-C-T.
Other names: c.164G>A (NM_000066.2); c.8G>A, p.Ser3Asn (NM_001278543.2); c.-152G>A (NM_001278544.2); short protein forms S3N, S55N.
Identifiers: ClinVar variation 827970 (VCV000827970.7), dbSNP rs144586148, ClinGen allele CA876083.